The following is an entry in ClinVar:

NM_006516.4(SLC2A1):c.130T>G (p.Tyr44Asp)

Gene: SLC2A1 (solute carrier family 2 member 1; minus strand). Cytogenetic location: 1p34.2.
Variant type: single nucleotide variant.
Coding change: c.130T>G on transcript NM_006516.4 (MANE Select); coding-DNA position 130, T replaced by G.
Protein change: p.Tyr44Asp; replaces tyrosine 44 with aspartic acid.
Molecular consequence: missense variant.
Genome position (GRCh38, 1-based): chr1:42,931,191, A>C on the plus strand (T>G on the coding strand, the complement: SLC2A1 is on the minus strand). VCF-style: chr1-42931191-A-C. GRCh37 (hg19) VCF-style: chr1-43396862-A-C.
Other names: short protein forms Y44D.
Identifiers: ClinVar variation 1427339 (VCV001427339.8), dbSNP rs375881934, ClinGen allele CA339962585.

ClinVar aggregate classification (germline): Uncertain significance (1 of 4 stars; one submission).

Conditions:
GLUT1 deficiency syndrome 1, autosomal recessive. Identifiers: MedGen C3149117.

Submission:

Labcorp Genetics (formerly Invitae), Labcorp
Classification: Uncertain significance for GLUT1 deficiency syndrome 1, autosomal recessive. Last evaluated: 2022-07-06. Review status: criteria provided, single submitter. Criteria: Invitae Variant Classification Sherloc (09022015). Collection method: clinical testing. Allele origin: germline.
Comment: This sequence change replaces tyrosine, which is neutral and polar, with aspartic acid, which is acidic and polar, at codon 44 of the SLC2A1 protein (p.Tyr44Asp). In summary, the available evidence is currently insufficient to determine the role of this variant in disease. Therefore, it has been classified as a Variant of Uncertain Significance. Advanced modeling of protein sequence and biophysical properties (such as structural, functional, and spatial information, amino acid conservation, physicochemical variation, residue mobility, and thermodynamic stability) performed at Invitae indicates that this missense variant is expected to disrupt SLC2A1 protein function. ClinVar contains an entry for this variant (Variation ID: 1427339). This variant has not been reported in the literature in individuals affected with SLC2A1-related conditions. This variant is not present in population databases (gnomAD no frequency).